The following is an entry in ClinVar:

NM_001080442.3(SLC38A8):c.898del (p.Val300fs)

Gene: SLC38A8 (solute carrier family 38 member 8; minus strand). Cytogenetic location: 16q23.3.
Variant type: Deletion.
Coding change: c.898del on transcript NM_001080442.3 (MANE Select); coding-DNA position 898, one base deleted (G; older notation c.898delG).
Protein change: p.Val300fs; shifts the reading frame from valine 300.
Molecular consequence: frameshift variant.
Genome position (GRCh38, 1-based): chr16:84,017,195, C deleted on the plus strand (G on the coding strand, the reverse complement: SLC38A8 is on the minus strand); the first of 3 consecutive C bases (chr16:84,017,195-84,017,197); deleting any one gives the same sequence. VCF-style (leftmost placement, unchanged base first): chr16-84017194-AC-A. GRCh37 (hg19) VCF-style: chr16-84050799-AC-A.
Other names: short protein forms V300fs.
Identifiers: ClinVar variation 3701556 (VCV003701556.2).

ClinVar aggregate classification (germline): Pathogenic (1 of 4 stars; one submission).

Submission:

Labcorp Genetics (formerly Invitae), Labcorp
Classification: Pathogenic. Last evaluated: 2024-02-22. Review status: criteria provided, single submitter. Criteria: Invitae Variant Classification Sherloc (09022015). Collection method: clinical testing. Allele origin: germline.
Comment: This sequence change creates a premature translational stop signal (p.Val300Serfs*8) in the SLC38A8 gene. It is expected to result in an absent or disrupted protein product. Loss-of-function variants in SLC38A8 are known to be pathogenic (PMID: 24290379). This variant is present in population databases (no rsID available, gnomAD 0.007%). This variant has not been reported in the literature in individuals affected with SLC38A8-related conditions. Algorithms developed to predict the effect of sequence changes on RNA splicing suggest that this variant may disrupt the consensus splice site. For these reasons, this variant has been classified as Pathogenic.

Literature cited by the submitters: PubMed 24290379.